The following is an entry in ClinVar:

NM_000718.4(CACNA1B):c.5449T>C (p.Cys1817Arg)

Gene: CACNA1B (calcium voltage-gated channel subunit alpha1 B; plus strand). Cytogenetic location: 9q34.3.
Variant type: single nucleotide variant.
Coding change: c.5449T>C on transcript NM_000718.4 (MANE Select); coding-DNA position 5449, T replaced by C.
Protein change: p.Cys1817Arg; replaces cysteine 1817 with arginine.
Molecular consequence: missense variant.
Genome position (GRCh38, 1-based): chr9:138,112,418, T>C. VCF-style: chr9-138112418-T-C. GRCh37 (hg19) VCF-style: chr9-141006870-T-C.
Other names: c.5449T>C, p.Cys1817Arg (NM_001243812.2); short protein forms C1817R.
Identifiers: ClinVar variation 2105339 (VCV002105339.4), dbSNP rs1458247319, ClinGen allele CA375815770.

ClinVar aggregate classification (germline): Uncertain significance (1 of 4 stars; one submission).

Allele frequency attached by ClinVar (database versions not stated): gnomAD 0.00001.

Submission:

Labcorp Genetics (formerly Invitae), Labcorp
Classification: Uncertain significance. Last evaluated: 2022-03-01. Review status: criteria provided, single submitter. Criteria: Invitae Variant Classification Sherloc (09022015). Collection method: clinical testing. Allele origin: germline.
Comment: In summary, the available evidence is currently insufficient to determine the role of this variant in disease. Therefore, it has been classified as a Variant of Uncertain Significance. Advanced modeling of protein sequence and biophysical properties (such as structural, functional, and spatial information, amino acid conservation, physicochemical variation, residue mobility, and thermodynamic stability) performed at Invitae indicates that this missense variant is not expected to disrupt CACNA1B protein function. This variant has not been reported in the literature in individuals affected with CACNA1B-related conditions. This variant is not present in population databases (gnomAD no frequency). This sequence change replaces cysteine, which is neutral and slightly polar, with arginine, which is basic and polar, at codon 1817 of the CACNA1B protein (p.Cys1817Arg).